The following is an entry in ClinVar:

NC_000015.10:g.(?_48613000)_(48644779_?)del

Gene: FBN1 (fibrillin 1; minus strand). Cytogenetic location: 15q21.1.
Variant type: Deletion.
Identifiers: ClinVar variation 831524 (VCV000831524.5).

ClinVar aggregate classification (germline): Pathogenic (1 of 4 stars; one submission).

Conditions:
Familial thoracic aortic aneurysm and aortic dissection (TAAD). Also called: Thoracic aortic aneurysms and dissections. Identifiers: Orphanet 91387, MedGen C4707243, MONDO:0019625.
Marfan syndrome (MFS). Also called: FBN1-Related Marfan Syndrome; Marfan's syndrome; MARFAN SYNDROME, TYPE I; Marfan syndrome type 1; Marfan syndrome, classic. Identifiers: Orphanet 284963, Orphanet 558, MedGen C0024796, MONDO:0007947, OMIM 154700.

Submission:

Labcorp Genetics (formerly Invitae), Labcorp
Classification: Pathogenic for Marfan syndrome; Familial thoracic aortic aneurysm and aortic dissection. Last evaluated: 2019-07-30. Review status: criteria provided, single submitter. Criteria: Invitae Variant Classification Sherloc (09022015). Collection method: clinical testing. Allele origin: germline.
Comment: For these reasons, this variant has been classified as Pathogenic. Loss-of-function variants in FBN1 are known to be pathogenic (PMID: 17657824, 19293843). This variant has not been reported in the literature in individuals with FBN1-related disease. This variant is a gross deletion of the genomic region encompassing exons 2-3 of the FBN1 gene, which includes the initiator codon. The 5' end of this event is unknown as it extends beyond the assayed region for this gene and therefore may encompass additional genes. The 3' boundary is likely confined to intron 3 of the FBN1 gene. This is expected to result in an absent or disrupted protein product.

Literature cited by the submitters: PubMed 17657824; PubMed 19293843.